The following is an entry in ClinVar:

NM_004380.3(CREBBP):c.2339C>A (p.Thr780Asn)

Gene: CREBBP (CREB binding lysine acetyltransferase; minus strand). Cytogenetic location: 16p13.3.
Variant type: single nucleotide variant.
Coding change: c.2339C>A on transcript NM_004380.3 (MANE Select); coding-DNA position 2339, C replaced by A.
Protein change: p.Thr780Asn; replaces threonine 780 with asparagine.
Molecular consequence: missense variant.
Genome position (GRCh38, 1-based): chr16:3,773,875, G>T on the plus strand (C>A on the coding strand, the complement: CREBBP is on the minus strand). VCF-style: chr16-3773875-G-T. GRCh37 (hg19) VCF-style: chr16-3823876-G-T.
Other names: c.2225C>A, p.Thr742Asn (NM_001079846.1); short protein forms T742N, T780N.
Identifiers: ClinVar variation 2880357 (VCV002880357.3), dbSNP rs956175120, ClinGen allele CA276970767.

ClinVar aggregate classification (germline): Uncertain significance (1 of 4 stars; one submission).

Conditions:
Rubinstein-Taybi syndrome (RSTS). Identifiers: Orphanet 783, MedGen C0035934, MONDO:0019188.

Allele frequency attached by ClinVar (database versions not stated): TOPMed below 0.00001; gnomAD 0.00001.
gnomAD v4.1: 5 of 1,612,202 alleles (0.00031%); highest among the groups gnomAD compares: Non-Finnish European, 0.00042%; no homozygotes.

Submission:

Labcorp Genetics (formerly Invitae), Labcorp
Classification: Uncertain significance for Rubinstein-Taybi syndrome. Last evaluated: 2023-01-27. Review status: criteria provided, single submitter. Criteria: Invitae Variant Classification Sherloc (09022015). Collection method: clinical testing. Allele origin: germline.
Comment: This variant has not been reported in the literature in individuals affected with CREBBP-related conditions. In summary, the available evidence is currently insufficient to determine the role of this variant in disease. Therefore, it has been classified as a Variant of Uncertain Significance. Advanced modeling of protein sequence and biophysical properties (such as structural, functional, and spatial information, amino acid conservation, physicochemical variation, residue mobility, and thermodynamic stability) has been performed at Invitae for this missense variant, however the output from this modeling did not meet the statistical confidence thresholds required to predict the impact of this variant on CREBBP protein function. This variant is not present in population databases (gnomAD no frequency). This sequence change replaces threonine, which is neutral and polar, with asparagine, which is neutral and polar, at codon 780 of the CREBBP protein (p.Thr780Asn).